The following is an entry in ClinVar:

ClinVar aggregate classification (germline): Benign. Review status: criteria provided, multiple submitters, no conflicts (2 of 4 stars). 4 submissions from 4 submitters: Benign (4). Last evaluated 2026-02-04.

Allele frequency attached by ClinVar (database versions not stated): ESP Exome Variant Server 0.07463; gnomAD exomes 0.09462 and 0.11089; gnomAD 0.10892 and 0.11107; ExAC 0.11161; TOPMed 0.11380; 1000 Genomes Project 30x 0.14959; 1000 Genomes Project 0.15076.
gnomAD v4.1: 155,841 of 1,610,128 alleles (9.7%); highest among the groups gnomAD compares: East Asian, 29%; 8,730 homozygotes.

Submissions (4):

Labcorp Genetics (formerly Invitae), Labcorp
Classification: Benign. Last evaluated: 2026-02-04. Review status: criteria provided, single submitter. Criteria: Invitae Variant Classification Sherloc (09022015). Collection method: clinical testing. Allele origin: germline.

Blueprint Genetics
Classification: Benign. Last evaluated: 2024-11-27. Review status: criteria provided, single submitter. Criteria: ACMG Guidelines, 2015. Collection method: clinical testing. Allele origin: germline.

GeneDx
Classification: Benign. Last evaluated: 2017-12-15. Review status: criteria provided, single submitter. Criteria: GeneDx Variant Classification (06012015). Collection method: clinical testing. Allele origin: germline. Affected: yes.
Comment: This variant is considered likely benign or benign based on one or more of the following criteria: it is a conservative change, it occurs at a poorly conserved position in the protein, it is predicted to be benign by multiple in silico algorithms, and/or has population frequency not consistent with disease.

Breakthrough Genomics
Classification: Benign. Review status: criteria provided, single submitter. Criteria: ACMG Guidelines, 2015. Collection method: not provided. Allele origin: germline. Inheritance: Unknown mechanism. Affected: yes.

NM_002907.4(RECQL):c.1899A>G (p.Gln633=)

Genes: PYROXD1 (pyridine nucleotide-disulphide oxidoreductase domain 1; plus strand), RECQL (RecQ like helicase; minus strand). Cytogenetic location: 12p12.1.
Variant type: single nucleotide variant.
Coding change: c.1899A>G on transcript NM_002907.4 (MANE Select); coding-DNA position 1899, A replaced by G.
Protein change: p.Gln633=; no amino-acid change (glutamine 633 retained).
Molecular consequence: synonymous variant. On other transcripts: 3 prime UTR variant (3).
Genome position (GRCh38, 1-based): chr12:21,470,245, T>C on the plus strand (A>G on the coding strand, the complement: RECQL is on the minus strand). VCF-style: chr12-21470245-T-C. GRCh37 (hg19) VCF-style: chr12-21623179-T-C.
Other names: c.1899A>G, p.Gln633= (NM_032941.3); c.*1491T>C (NM_001350912.2, NM_001350913.2, NM_024854.5).
Identifiers: ClinVar variation 506624 (VCV000506624.12), dbSNP rs17849408, ClinGen allele CA6478591.
Genomic context (GRCh38, chr12:21,470,245, plus strand): 5'-ACATTCATATCAGGCATCATCGATTTTTCTTTTCTTAGCTCCTGTATTCTTAGAACCAGA[T>C]TGCTGAAGCATGTTTGCAGCCTTCTTCTGGAAGTTGCCTGAATTTTTTTCCTCCATCTTT-3'
Protein context (NP_002898.2, residues 623-643): FQKKAANMLQ[Gln633=]SGSKNTGAKK